The following is an entry in ClinVar:

ClinVar aggregate classification (germline): Uncertain significance (1 of 4 stars; one submission).

Conditions:
Fanconi anemia (FA). Also called: Fanconi's anemia. Identifiers: Orphanet 84, MedGen C0015625, MeSH D005199, MONDO:0019391.

Allele frequency attached by ClinVar (database versions not stated): ExAC 0.00001; gnomAD 0.00001.
gnomAD v4.1: 3 of 1,613,818 alleles (0.00019%); highest among the groups gnomAD compares: African/African-American, 0.004%; no homozygotes.

Submission:

Labcorp Genetics (formerly Invitae), Labcorp
Classification: Uncertain significance for Fanconi anemia. Last evaluated: 2022-12-23. Review status: criteria provided, single submitter. Criteria: Invitae Variant Classification Sherloc (09022015). Collection method: clinical testing. Allele origin: germline.
Comment: In summary, the available evidence is currently insufficient to determine the role of this variant in disease. Therefore, it has been classified as a Variant of Uncertain Significance. Algorithms developed to predict the effect of missense changes on protein structure and function output the following: SIFT: "Tolerated"; PolyPhen-2: "Benign"; Align-GVGD: "Class C0". The lysine amino acid residue is found in multiple mammalian species, which suggests that this missense change does not adversely affect protein function. This variant has not been reported in the literature in individuals affected with SLX4-related conditions. This variant is present in population databases (rs770687847, gnomAD 0.007%). This sequence change replaces glutamic acid, which is acidic and polar, with lysine, which is basic and polar, at codon 1242 of the SLX4 protein (p.Glu1242Lys).

NM_032444.4(SLX4):c.3724G>A (p.Glu1242Lys)

Gene: SLX4 (SLX4 structure-specific endonuclease subunit; minus strand). Cytogenetic location: 16p13.3.
Variant type: single nucleotide variant.
Coding change: c.3724G>A on transcript NM_032444.4 (MANE Select); coding-DNA position 3724, G replaced by A.
Protein change: p.Glu1242Lys; replaces glutamic acid 1242 with lysine.
Molecular consequence: missense variant.
Genome position (GRCh38, 1-based): chr16:3,589,914, C>T on the plus strand (G>A on the coding strand, the complement: SLX4 is on the minus strand). VCF-style: chr16-3589914-C-T. GRCh37 (hg19) VCF-style: chr16-3639915-C-T.
Other names: short protein forms E1242K.
Identifiers: ClinVar variation 2906062 (VCV002906062.3), dbSNP rs770687847, ClinGen allele CA7865853.